The following is an entry in ClinVar:

NM_001457.4(FLNB):c.644T>A (p.Ile215Asn)

Gene: FLNB (filamin B; plus strand). Cytogenetic location: 3p14.3.
Variant type: single nucleotide variant.
Coding change: c.644T>A on transcript NM_001457.4 (MANE Select); coding-DNA position 644, T replaced by A.
Protein change: p.Ile215Asn; replaces isoleucine 215 with asparagine.
Molecular consequence: missense variant.
Genome position (GRCh38, 1-based): chr3:58,081,633, T>A. VCF-style: chr3-58081633-T-A. GRCh37 (hg19) VCF-style: chr3-58067360-T-A.
Other names: c.644T>A, p.Ile215Asn (NM_001164317.2, NM_001164318.2, NM_001164319.2); short protein forms I215N.
Identifiers: ClinVar variation 932049 (VCV000932049.3), dbSNP rs2097209399, ClinGen allele CA353333994.

ClinVar aggregate classification (germline): Likely pathogenic (1 of 4 stars; one submission).

Conditions:
Atelosteogenesis type III. Also called: Atelosteogenesis Type 3 (FLNB-AO3). Identifiers: Orphanet 56305, MedGen C3668942, MONDO:0007168, OMIM 108721.

Submission:

Centre for Mendelian Genomics, University Medical Centre Ljubljana
Classification: Likely pathogenic for Atelosteogenesis type III. Last evaluated: 2019-02-27. Review status: criteria provided, single submitter. Criteria: ACMG Guidelines, 2015. Collection method: clinical testing. Allele origin: unknown. Affected: yes.
Comment: This variant was classified as: Likely pathogenic. The following ACMG criteria were applied in classifying this variant: PM1,PM2,PP3,PM6.